The following is an entry in ClinVar:

NM_006939.4(SOS2):c.294A>G (p.Lys98=)

Gene: SOS2 (SOS Ras/Rho guanine nucleotide exchange factor 2; minus strand). Cytogenetic location: 14q21.3.
Variant type: single nucleotide variant.
Coding change: c.294A>G on transcript NM_006939.4 (MANE Select); coding-DNA position 294, A replaced by G.
Protein change: p.Lys98=; no amino-acid change (lysine 98 retained).
Molecular consequence: synonymous variant.
Genome position (GRCh38, 1-based): chr14:50,201,004, T>C on the plus strand (A>G on the coding strand, the complement: SOS2 is on the minus strand). VCF-style: chr14-50201004-T-C. GRCh37 (hg19) VCF-style: chr14-50667722-T-C.
Identifiers: ClinVar variation 507714 (VCV000507714.38), dbSNP rs149713664, ClinGen allele CA7177566.

ClinVar aggregate classification (germline): Benign/Likely benign. Review status: criteria provided, multiple submitters, no conflicts (2 of 4 stars). 7 submissions from 7 submitters: Benign (2); Likely benign (5). Last evaluated 2025-12-28.

Conditions:
Cardiovascular phenotype. Identifiers: MedGen CN230736.
Noonan syndrome and Noonan-related syndrome. Identifiers: Orphanet 98733, MedGen C5681679, MONDO:0020297.
Noonan syndrome 9 (NS9). Identifiers: Orphanet 648, MedGen C4225282, MONDO:0014691, OMIM 616559.

Allele frequency attached by ClinVar (database versions not stated): gnomAD exomes 0.00002 and 0.00007; ExAC 0.00007; ESP Exome Variant Server 0.00015; gnomAD 0.00025 and 0.00027; TOPMed 0.00025; 1000 Genomes Project 0.00040; 1000 Genomes Project 30x 0.00047.
gnomAD v4.1: 77 of 1,614,004 alleles (0.0048%); highest among the groups gnomAD compares: African/African-American, 0.091%; no homozygotes.

Submissions (7):

Labcorp Genetics (formerly Invitae), Labcorp
Classification: Likely benign for Noonan syndrome 9. Last evaluated: 2025-12-28. Review status: criteria provided, single submitter. Criteria: Invitae Variant Classification Sherloc (09022015). Collection method: clinical testing. Allele origin: germline.

CeGaT Center for Human Genetics Tuebingen
Classification: Likely benign. Last evaluated: 2023-12-01. Review status: criteria provided, single submitter. Criteria: CeGaT Center For Human Genetics Tuebingen Variant Classification Criteria Version 2. Collection method: clinical testing. Allele origin: germline. Affected: yes. Observed: 1 variant allele.
Comment: SOS2: BP4, BP7

Ambry Genetics
Classification: Likely benign for Cardiovascular phenotype. Last evaluated: 2022-03-03. Review status: criteria provided, single submitter. Criteria: Ambry Variant Classification Scheme 2023. Collection method: clinical testing. Allele origin: germline.

Genome Diagnostics Laboratory, The Hospital for Sick Children
Classification: Benign for Noonan syndrome and Noonan-related syndrome. Last evaluated: 2021-06-07. Review status: criteria provided, single submitter. Criteria: ACMG Guidelines, 2015. Collection method: clinical testing. Allele origin: germline.

Women's Health and Genetics/Laboratory Corporation of America, LabCorp
Classification: Benign. Last evaluated: 2019-12-09. Review status: criteria provided, single submitter. Criteria: LabCorp Variant Classification Summary - May 2015. Collection method: clinical testing. Allele origin: germline.

GeneDx
Classification: Likely benign. Last evaluated: 2017-03-03. Review status: criteria provided, single submitter. Criteria: GeneDx Variant Classification (06012015). Collection method: clinical testing. Allele origin: germline. Affected: yes.
Comment: This variant is considered likely benign or benign based on one or more of the following criteria: it is a conservative change, it occurs at a poorly conserved position in the protein, it is predicted to be benign by multiple in silico algorithms, and/or has population frequency not consistent with disease.

Genome-Nilou Lab
Classification: Likely benign for Noonan syndrome 9. Review status: criteria provided, single submitter. Criteria: ACMG Guidelines, 2015. Collection method: clinical testing. Allele origin: germline.